The following is an entry in ClinVar:

NM_000525.4(KCNJ11):c.1084G>A (p.Ala362Thr)

Gene: KCNJ11 (potassium inwardly rectifying channel subfamily J member 11; minus strand). Cytogenetic location: 11p15.1.
Variant type: single nucleotide variant.
Coding change: c.1084G>A on transcript NM_000525.4 (MANE Select); coding-DNA position 1084, G replaced by A.
Protein change: p.Ala362Thr; replaces alanine 362 with threonine.
Molecular consequence: missense variant.
Genome position (GRCh38, 1-based): chr11:17,387,008, C>T on the plus strand (G>A on the coding strand, the complement: KCNJ11 is on the minus strand). VCF-style: chr11-17387008-C-T. GRCh37 (hg19) VCF-style: chr11-17408555-C-T.
Other names: c.823G>A, p.Ala275Thr (NM_001166290.2, NM_001377296.1, NM_001377297.1); short protein forms A362T, A275T.
Identifiers: ClinVar variation 1386763 (VCV001386763.6), dbSNP rs755839409, ClinGen allele CA5902188.

ClinVar aggregate classification (germline): Uncertain significance. Review status: criteria provided, multiple submitters, no conflicts (2 of 4 stars). 2 submissions from 2 submitters: Uncertain significance (2). Last evaluated 2024-10-24.

Conditions:
Maturity-onset diabetes of the young (MODY). Also called: Maturity onset diabetes mellitus in young. Identifiers: Orphanet 552, MedGen C0342276, MONDO:0018911, HP:0004904.

Allele frequency attached by ClinVar (database versions not stated): gnomAD 0.00001 and 0.00002; ExAC 0.00002; gnomAD exomes 0.00002 and 0.00005; TOPMed 0.00002.
gnomAD v4.1: 75 of 1,613,850 alleles (0.0046%); highest among the groups gnomAD compares: Middle Eastern, 0.033%; no homozygotes.

Submissions (2):

Labcorp Genetics (formerly Invitae), Labcorp
Classification: Uncertain significance. Last evaluated: 2024-10-24. Review status: criteria provided, single submitter. Criteria: Invitae Variant Classification Sherloc (09022015). Collection method: clinical testing. Allele origin: germline.
Comment: This sequence change replaces alanine, which is neutral and non-polar, with threonine, which is neutral and polar, at codon 362 of the KCNJ11 protein (p.Ala362Thr). This variant is present in population databases (rs755839409, gnomAD 0.006%). This missense change has been observed in individual(s) with maturity-onset diabetes of the young (PMID: 29439679). ClinVar contains an entry for this variant (Variation ID: 1386763). Invitae Evidence Modeling of protein sequence and biophysical properties (such as structural, functional, and spatial information, amino acid conservation, physicochemical variation, residue mobility, and thermodynamic stability) indicates that this missense variant is not expected to disrupt KCNJ11 protein function with a negative predictive value of 95%. In summary, the available evidence is currently insufficient to determine the role of this variant in disease. Therefore, it has been classified as a Variant of Uncertain Significance.

Molecular Genetics, Madras Diabetes Research Foundation
Classification: Uncertain significance for Maturity-onset diabetes of the young. Review status: criteria provided, single submitter. Criteria: ACMG Guidelines, 2015. Collection method: clinical testing. Allele origin: germline. Affected: yes.

Literature cited by the submitters: PubMed 29439679 (cited by Labcorp Genetics (formerly Invitae), Labcorp and Molecular Genetics, Madras Diabetes Research Foundation).